The following is an entry in ClinVar:

ClinVar aggregate classification (germline): Pathogenic (1 of 4 stars; one submission).

Submission:

GeneDx
Classification: Pathogenic. Last evaluated: 2024-10-16. Review status: criteria provided, single submitter. Criteria: GeneDx Variant Classification Process June 2021. Collection method: clinical testing. Allele origin: germline. Affected: yes.
Comment: Nonsense variant predicted to result in protein truncation or nonsense mediated decay in a gene for which loss of function is a known mechanism of disease; Not observed at significant frequency in large population cohorts (gnomAD); This variant is associated with the following publications: (PMID: 35032046)

NM_001378418.1(TCF20):c.1618C>T (p.Gln540Ter)

Gene: TCF20 (transcription factor 20; minus strand). Cytogenetic location: 22q13.2.
Variant type: single nucleotide variant.
Coding change: c.1618C>T on transcript NM_001378418.1 (MANE Select); coding-DNA position 1618, C replaced by T.
Protein change: p.Gln540Ter; replaces glutamine 540 with a stop codon.
Molecular consequence: nonsense.
Genome position (GRCh38, 1-based): chr22:42,213,688, G>A on the plus strand (C>T on the coding strand, the complement: TCF20 is on the minus strand). VCF-style: chr22-42213688-G-A. GRCh37 (hg19) VCF-style: chr22-42609694-G-A.
Other names: c.1618C>T, p.Gln540Ter (NM_005650.4, NM_181492.3); short protein forms Q540*.
Identifiers: ClinVar variation 3781019 (VCV003781019.1).